The following is an entry in ClinVar:

ClinVar aggregate classification (germline): Uncertain significance (1 of 4 stars; one submission).

Conditions:
Inborn genetic diseases. Identifiers: MedGen C0950123, MeSH D030342.

Submission:

Ambry Genetics
Classification: Uncertain significance for Inborn genetic diseases. Last evaluated: 2026-01-20. Review status: criteria provided, single submitter. Criteria: Ambry Variant Classification Scheme 2023. Collection method: clinical testing. Allele origin: germline.
Comment: The p.T87A variant (also known as c.259A>G), located in coding exon 4 of the RECQL4 gene, results from an A to G substitution at nucleotide position 259. The threonine at codon 87 is replaced by alanine, an amino acid with similar properties. This amino acid position is conserved. In addition, this alteration is predicted to be tolerated by in silico analysis. Based on the available evidence, the clinical significance of this variant remains unclear.

NM_004260.4(RECQL4):c.259A>G (p.Thr87Ala)

Gene: RECQL4 (RecQ like helicase 4; minus strand). Cytogenetic location: 8q24.3.
Variant type: single nucleotide variant.
Coding change: c.259A>G on transcript NM_004260.4 (MANE Select); coding-DNA position 259, A replaced by G.
Protein change: p.Thr87Ala; replaces threonine 87 with alanine.
Molecular consequence: missense variant. On other transcripts: 5 prime UTR variant (17), non-coding transcript variant (3).
Genome position (GRCh38, 1-based): chr8:144,517,145, T>C on the plus strand (A>G on the coding strand, the complement: RECQL4 is on the minus strand). VCF-style: chr8-144517145-T-C. GRCh37 (hg19) VCF-style: chr8-145742529-T-C.
Other names: c.-813A>G (NM_001413038.1, NM_001413040.1, NM_001413042.1 and 3 more transcripts); c.259A>G, p.Thr87Ala (NM_001413039.1, NM_001413017.1, NM_001413018.1 and 5 more transcripts); c.-875A>G (NM_001413041.1, NM_001413027.1, NM_001413030.1 and 1 more transcripts); c.-1082A>G (NM_001413043.1); c.-462A>G (NM_001413021.1); c.-710A>G (NM_001413024.1, NM_001413035.1); c.130A>G, p.Thr44Ala (NM_001413025.1); c.-538A>G (NM_001413028.1); and 2 more; short protein forms T44A, T87A.
Identifiers: ClinVar variation 4844349 (VCV004844349.1).